The following is an entry in ClinVar:

ClinVar aggregate classification (germline): Likely pathogenic. Review status: criteria provided, single submitter (1 of 4 stars). 2 submissions from 2 submitters: Likely pathogenic (1). 1 of the submissions does not count toward it. Last evaluated 2019-10-30.

Conditions:
Tuberous sclerosis syndrome (TSC). Also called: Tuberous Sclerosis Complex; Tuberous sclerosis. Identifiers: Orphanet 805, MedGen C0041341, MONDO:0001734.
Tuberous sclerosis 1 (TSC1). Identifiers: Orphanet 805, MedGen C1854465, MONDO:0008612, OMIM 191100.

Submissions (2):

Labcorp Genetics (formerly Invitae), Labcorp
Classification: Likely pathogenic for Tuberous sclerosis 1. Last evaluated: 2019-10-30. Review status: criteria provided, single submitter. Criteria: Invitae Variant Classification Sherloc (09022015). Collection method: clinical testing. Allele origin: germline.
Comment: This sequence change affects an acceptor splice site in intron 14 of the TSC1 gene. It is expected to disrupt RNA splicing and likely results in an absent or disrupted protein product. This variant is not present in population databases (ExAC no frequency). This variant has been observed in an individual affected with tuberous sclerosis complex (PMID: 28968464). ClinVar contains an entry for this variant (Variation ID: 48783). Donor and acceptor splice site variants typically lead to a loss of protein function (PMID: 16199547), and loss-of-function variants in TSC1 are known to be pathogenic (PMID: 10227394, 17304050). In summary, the currently available evidence indicates that the variant is pathogenic, but additional data are needed to prove that conclusively. Therefore, this variant has been classified as Likely Pathogenic.

Tuberous sclerosis database (TSC1)
No classification provided. Condition: TSC. Review status: no classification provided. Criteria: Tuberous Sclerosis Database Assertion Criteria 2015. Collection method: curation. Allele origin: germline. Affected: yes. Not counted in ClinVar's aggregate classification.

Literature cited by the submitters: PubMed 28968464 (cited by Labcorp Genetics (formerly Invitae), Labcorp); PubMed 16199547 (cited by Labcorp Genetics (formerly Invitae), Labcorp); PubMed 10227394 (cited by Labcorp Genetics (formerly Invitae), Labcorp); PubMed 17304050 (cited by Labcorp Genetics (formerly Invitae), Labcorp).

NM_000368.5(TSC1):c.1439-2A>G

Gene: TSC1 (TSC complex subunit 1; minus strand). Cytogenetic location: 9q34.13.
Variant type: single nucleotide variant.
Coding change: c.1439-2A>G on transcript NM_000368.5 (MANE Select); the canonical splice acceptor site of the intron before coding-DNA position 1439, A replaced by G.
Molecular consequence: splice acceptor variant.
Genome position (GRCh38, 1-based): chr9:132,906,141, T>C on the plus strand (A>G on the coding strand, the complement: TSC1 is on the minus strand). VCF-style: chr9-132906141-T-C. GRCh37 (hg19) VCF-style: chr9-135781528-T-C.
Other names: c.1073-2A>G (NM_001406620.1, NM_001406625.1, NM_001406621.1 and 2 more transcripts); c.1076-2A>G (NM_001406618.1, NM_001406617.1, NM_001406619.1 and 5 more transcripts); c.1283-2A>G (NM_001406613.1, NM_001406612.1, NM_001406611.1); c.1286-2A>G (NM_001406610.1, NM_001162427.2); c.485-2A>G (NM_001406627.1, NM_001406628.1); c.386-2A>G (NM_001406629.1, NM_001406630.1); c.1436-2A>G (NM_001406603.1, NM_001406609.1, NM_001406597.1 and 6 more transcripts); c.1439-2A>G (NM_001406602.1, NM_001406606.1, NM_001406592.1 and 7 more transcripts); and 1 more.
Identifiers: ClinVar variation 48783 (VCV000048783.10), dbSNP rs118203531, ClinGen allele CA004828.